The following is an entry in ClinVar:

ClinVar aggregate classification (germline): Uncertain significance. Review status: criteria provided, multiple submitters, no conflicts (2 of 4 stars). 7 submissions from 7 submitters: Uncertain significance (6). 1 of the submissions does not count toward it. Last evaluated 2025-11-07.

Conditions:
Hereditary cancer-predisposing syndrome. Also called: Hereditary neoplastic syndrome; Neoplastic Syndromes, Hereditary; Tumor predisposition; Hereditary Cancer Syndrome. Identifiers: Orphanet 140162, MedGen C0027672, MeSH D009386, MONDO:0015356.
Ataxia-telangiectasia syndrome (AT). Also called: Ataxia telangiectasia (A-T); LOUIS-BAR SYNDROME; Cerebello-oculocutaneous telangiectasia; Immunodeficiency with ataxia telangiectasia; Ataxia-telangiectasia, complementation group D; AT, COMPLEMENTATION GROUP C. Identifiers: Orphanet 100, MedGen C0004135, MONDO:0008840, OMIM 208900.
Familial cancer of breast. Also called: Hereditary breast cancer; hereditary breast carcinoma; BREAST CANCER, FAMILIAL. Identifiers: Orphanet 227535, MedGen C0346153, MONDO:0016419, OMIM 114480. Disease mechanism: loss of function.

Allele frequency attached by ClinVar (database versions not stated): gnomAD exomes below 0.00001; TOPMed below 0.00001; gnomAD 0.00001.
gnomAD v4.1: 2 of 1,613,832 alleles (0.00012%); highest among the groups gnomAD compares: Non-Finnish European, 0.00017%; no homozygotes.

Submissions (7):

Labcorp Genetics (formerly Invitae), Labcorp
Classification: Uncertain significance for Ataxia-telangiectasia syndrome. Last evaluated: 2025-11-07. Review status: criteria provided, single submitter. Criteria: Invitae Variant Classification Sherloc (09022015). Collection method: clinical testing. Allele origin: germline.
Comment: This sequence change replaces isoleucine, which is neutral and non-polar, with threonine, which is neutral and polar, at codon 1158 of the ATM protein (p.Ile1158Thr). This variant is not present in population databases (gnomAD no frequency). This variant has not been reported in the literature in individuals affected with ATM-related conditions. ClinVar contains an entry for this variant (Variation ID: 407536). Invitae Evidence Modeling of protein sequence and biophysical properties (such as structural, functional, and spatial information, amino acid conservation, physicochemical variation, residue mobility, and thermodynamic stability) indicates that this missense variant is not expected to disrupt ATM protein function with a negative predictive value of 95%. RNA analysis performed to evaluate the impact of this missense change on mRNA splicing indicates it does not significantly alter splicing (internal data). In summary, the available evidence is currently insufficient to determine the role of this variant in disease. Therefore, it has been classified as a Variant of Uncertain Significance.

Ambry Genetics
Classification: Uncertain significance for Hereditary cancer-predisposing syndrome. Last evaluated: 2024-12-20. Review status: criteria provided, single submitter. Criteria: Ambry Variant Classification Scheme 2023. Collection method: clinical testing. Allele origin: germline.
Comment: The p.I1158T variant (also known as c.3473T>C), located in coding exon 23 of the ATM gene, results from a T to C substitution at nucleotide position 3473. The isoleucine at codon 1158 is replaced by threonine, an amino acid with similar properties. This amino acid position is not well conserved in available vertebrate species. In addition, the in silico prediction for this alteration is inconclusive. Since supporting evidence is limited at this time, the clinical significance of this alteration remains unclear.

GeneDx
Classification: Uncertain significance. Last evaluated: 2024-05-16. Review status: criteria provided, single submitter. Criteria: GeneDx Variant Classification Process June 2021. Collection method: clinical testing. Allele origin: germline. Affected: yes.
Comment: Not observed at significant frequency in large population cohorts (gnomAD); In silico analysis indicates that this missense variant does not alter protein structure/function; Has not been previously published as pathogenic or benign to our knowledge; This variant is associated with the following publications: (PMID: 19781682)

Fulgent Genetics
Classification: Uncertain significance for Familial cancer of breast; Ataxia-telangiectasia syndrome. Last evaluated: 2024-03-07. Review status: criteria provided, single submitter. Criteria: ACMG Guidelines, 2015. Collection method: clinical testing. Allele origin: germline.

Color Diagnostics, LLC DBA Color Health
Classification: Uncertain significance for Hereditary cancer-predisposing syndrome. Last evaluated: 2023-12-06. Review status: criteria provided, single submitter. Criteria: ACMG Guidelines, 2015. Collection method: clinical testing. Allele origin: germline.
Comment: This missense variant replaces isoleucine with threonine at codon 1158 of the ATM protein. Computational prediction suggests that this variant may not impact protein structure and function (internally defined REVEL score threshold <= 0.5, PMID: 27666373). To our knowledge, functional studies have not been reported for this variant. This variant has not been reported in individuals affected with ATM-related disorders in the literature. This variant has not been identified in the general population by the Genome Aggregation Database (gnomAD). The available evidence is insufficient to determine the role of this variant in disease conclusively. Therefore, this variant is classified as a Variant of Uncertain Significance.

Sema4
Classification: Uncertain significance for Hereditary cancer-predisposing syndrome. Last evaluated: 2021-07-22. Review status: criteria provided, single submitter. Criteria: Sema4 Curation Guidelines. Collection method: curation. Allele origin: germline.
Comment: The ATM c.3473T>C (p.I1158T) variant has not been reported in the literature to our knowledge. This variant is not reported in the population database Genome Aggregation Database (PMID: 32461654). This variant has been reported in ClinVar (Variation ID: 407536). Functional studies have not been performed and in silico predictions of the variant's effect on protein function are inconclusive. The evidence is insufficient to meet ACMG/AMP criteria for classifying the variant as benign or pathogenic. Thus, the clinical significance of this variant is currently uncertain.

Natera, Inc.
Classification: Uncertain significance for Ataxia-telangiectasia. Last evaluated: 2020-09-18. Review status: no assertion criteria provided. Collection method: clinical testing. Allele origin: germline. Not counted in ClinVar's aggregate classification.

NM_000051.4(ATM):c.3473T>C (p.Ile1158Thr)

Gene: ATM (ATM serine/threonine kinase; plus strand). Cytogenetic location: 11q22.3.
Variant type: single nucleotide variant.
Coding change: c.3473T>C on transcript NM_000051.4 (MANE Select); coding-DNA position 3473, T replaced by C.
Protein change: p.Ile1158Thr; replaces isoleucine 1158 with threonine.
Molecular consequence: missense variant.
Genome position (GRCh38, 1-based): chr11:108,281,065, T>C. VCF-style: chr11-108281065-T-C. GRCh37 (hg19) VCF-style: chr11-108151792-T-C.
Other names: c.3473T>C, p.Ile1158Thr (NM_001351834.2); short protein forms I1158T.
Identifiers: ClinVar variation 407536 (VCV000407536.27), dbSNP rs1060501588, ClinGen allele CA16613039.